The following is an entry in ClinVar:

ClinVar aggregate classification (germline): Uncertain significance. Review status: criteria provided, multiple submitters, no conflicts (2 of 4 stars). 4 submissions from 4 submitters: Uncertain significance (4). Last evaluated 2022-08-16.

Conditions:
Emery-Dreifuss muscular dystrophy 4, autosomal dominant (EDMD4). Also called: EMERY-DREIFUSS MUSCULAR DYSTROPHY 4 WITH VARIABLE FEATURES. Identifiers: Orphanet 261, MedGen C2751807, MONDO:0013071, OMIM 612998.
Autosomal recessive ataxia, Beauce type. Also called: SYNE1-Related Autosomal Recessive Cerebellar Ataxia; Spinocerebellar ataxia, autosomal recessive 8; ATAXIA, RECESSIVE, OF BEAUCE; SYNE1 Deficiency. Identifiers: Orphanet 88644, MedGen C1853116, MONDO:0012549, OMIM 610743.

Allele frequency attached by ClinVar (database versions not stated): gnomAD 0.00003 and 0.00004; gnomAD exomes 0.00004 and 0.00008; TOPMed 0.00005; ESP Exome Variant Server 0.00008; ExAC 0.00010; 1000 Genomes Project 30x 0.00016; 1000 Genomes Project 0.00020.
gnomAD v4.1: 68 of 1,605,648 alleles (0.0042%); highest among the groups gnomAD compares: Admixed American, 0.012%; no homozygotes.

Submissions (4):

Labcorp Genetics (formerly Invitae), Labcorp
Classification: Uncertain significance for Emery-Dreifuss muscular dystrophy 4, autosomal dominant; Autosomal recessive ataxia, Beauce type. Last evaluated: 2022-08-16. Review status: criteria provided, single submitter. Criteria: Invitae Variant Classification Sherloc (09022015). Collection method: clinical testing. Allele origin: germline.
Comment: This sequence change replaces isoleucine, which is neutral and non-polar, with valine, which is neutral and non-polar, at codon 1586 of the SYNE1 protein (p.Ile1586Val). This variant is present in population databases (rs138691290, gnomAD 0.02%). This variant has not been reported in the literature in individuals affected with SYNE1-related conditions. ClinVar contains an entry for this variant (Variation ID: 580292). Algorithms developed to predict the effect of missense changes on protein structure and function output the following: SIFT: "Tolerated"; PolyPhen-2: "Benign"; Align-GVGD: "Class C0". The valine amino acid residue is found in multiple mammalian species, which suggests that this missense change does not adversely affect protein function. Algorithms developed to predict the effect of sequence changes on RNA splicing suggest that this variant may create or strengthen a splice site. In summary, the available evidence is currently insufficient to determine the role of this variant in disease. Therefore, it has been classified as a Variant of Uncertain Significance.

Athena Diagnostics
Classification: Uncertain significance. Last evaluated: 2021-02-03. Review status: criteria provided, single submitter. Criteria: Athena Diagnostics criteria. Collection method: clinical testing. Allele origin: unknown.

Revvity Omics, Revvity
Classification: Uncertain significance. Last evaluated: 2019-06-05. Review status: criteria provided, single submitter. Criteria: ACMG Guidelines, 2015. Collection method: clinical testing. Allele origin: germline.

Eurofins Ntd Llc (ga)
Classification: Uncertain significance. Last evaluated: 2018-03-13. Review status: criteria provided, single submitter. Criteria: EGL ClinVar v180209 classification definitions. Collection method: clinical testing. Allele origin: germline. Observed: 1 variant allele, 1 heterozygote.

NM_182961.4(SYNE1):c.4735A>G (p.Ile1579Val)

Gene: SYNE1 (spectrin repeat containing nuclear envelope protein 1; minus strand). Cytogenetic location: 6q25.2.
Variant type: single nucleotide variant.
Coding change: c.4735A>G on transcript NM_182961.4 (MANE Select); coding-DNA position 4735, A replaced by G.
Protein change: p.Ile1579Val; replaces isoleucine 1579 with valine.
Molecular consequence: missense variant.
Genome position (GRCh38, 1-based): chr6:152,430,165, T>C on the plus strand (A>G on the coding strand, the complement: SYNE1 is on the minus strand). VCF-style: chr6-152430165-T-C. GRCh37 (hg19) VCF-style: chr6-152751300-T-C.
Other names: c.4735A>G (NM_182961.2); c.4756A>G, p.Ile1586Val (NM_033071.5); short protein forms I1579V, I1586V.
Identifiers: ClinVar variation 580292 (VCV000580292.13), dbSNP rs138691290, ClinGen allele CA4058478.
Genomic context (GRCh38, chr6:152,430,165, plus strand): 5'-CTCTTACCATATGTTCTTGAAGAACTTTGTATGTTTCTGTAGCTGAAGAACATATTTTAA[T>C]TGGAACAGCAAGTTTATCTTCAAATTCAGACACAGATTGCTGGATCTAAAACATTGGTGC-3'
Protein context (NP_892006.3, residues 1569-1589): SEFEDKLAVP[Ile1579Val]KICSSATETY